The following is an entry in ClinVar:

ClinVar aggregate classification (germline): Pathogenic (1 of 4 stars; one submission).

Conditions:
Familial adenomatous polyposis 1 (FAP1). Also called: POLYPOSIS, ADENOMATOUS INTESTINAL; FAMILIAL ADENOMATOUS POLYPOSIS 1, ATTENUATED. Identifiers: MedGen C2713442, MONDO:0021056, OMIM 175100. Disease mechanism: loss of function.

Submission:

Myriad Genetics, Inc.
Classification: Pathogenic for Familial adenomatous polyposis 1. Last evaluated: 2023-05-12. Review status: criteria provided, single submitter. Criteria: Myriad Autosomal Dominant, Autosomal Recessive and X-Linked Classification Criteria (2023). Collection method: clinical testing. Allele origin: unknown.
Comment: This variant is considered pathogenic. This variant creates a frameshift predicted to result in premature protein truncation.

NM_000038.6(APC):c.5428_5452del (p.Asp1810fs)

Gene: APC (APC regulator of Wnt signaling pathway; plus strand). Cytogenetic location: 5q22.2.
Variant type: Deletion.
Coding change: c.5428_5452del on transcript NM_000038.6 (MANE Select); coding-DNA positions 5428 to 5452, 25 bases deleted (GATTCAAAGAAACAGAATTTGAAAA).
Protein change: p.Asp1810fs; shifts the reading frame from aspartic acid 1810.
Molecular consequence: frameshift variant. On other transcripts: non-coding transcript variant (2).
Genome position (GRCh38, 1-based): chr5:112,841,022-112,841,046, GATTCAAAGAAACAGAATTTGAAAA deleted; deleting any 25 consecutive bases within chr5:112,841,019-112,841,046 gives the same sequence; the c. name uses the placement nearest the transcript's 3' end. VCF-style (leftmost placement, unchanged base first): chr5-112841018-CAAAGATTCAAAGAAACAGAATTTGA-C. GRCh37 (hg19) VCF-style: chr5-112176715-CAAAGATTCAAAGAAACAGAATTTGA-C.
Other names: c.5428_5452del, p.Asp1810fs (NM_001127510.3, NM_001354895.2, NM_001407450.1); c.5374_5398del, p.Asp1792fs (NM_001127511.3); c.5482_5506del, p.Asp1828fs (NM_001354896.2, NM_001407447.1, NM_001407448.1 and 1 more transcripts); c.5458_5482del, p.Asp1820fs (NM_001354897.2); c.5353_5377del, p.Asp1785fs (NM_001354898.2); c.5344_5368del, p.Asp1782fs (NM_001354899.2); c.5305_5329del, p.Asp1769fs (NM_001354900.2); c.5251_5275del, p.Asp1751fs (NM_001354901.2, NM_001407453.1); and 11 more; short protein forms D1426fs, D1527fs, D1650fs, D1681fs, D1684fs, D1709fs, D1719fs, D1727fs.
Identifiers: ClinVar variation 2583579 (VCV002583579.1), dbSNP rs2533643045, ClinGen allele CA2582341439.